The following is an entry in ClinVar:

ClinVar aggregate classification (germline): Uncertain significance (1 of 4 stars; one submission).

Submission:

GeneDx
Classification: Uncertain significance. Last evaluated: 2025-07-14. Review status: criteria provided, single submitter. Criteria: GeneDx Variant Classification Process June 2021. Collection method: clinical testing. Allele origin: germline. Affected: yes.
Comment: Not observed at significant frequency in large population cohorts (gnomAD); In silico analysis supports that this missense variant has a deleterious effect on protein structure/function; Has not been previously published as pathogenic or benign to our knowledge

NM_020987.5(ANK3):c.2843A>G (p.His948Arg)

Gene: ANK3 (ankyrin 3; minus strand). Cytogenetic location: 10q21.2.
Variant type: single nucleotide variant.
Coding change: c.2843A>G on transcript NM_020987.5 (MANE Select); coding-DNA position 2843, A replaced by G.
Protein change: p.His948Arg; replaces histidine 948 with arginine.
Molecular consequence: missense variant.
Genome position (GRCh38, 1-based): chr10:60,114,330, T>C on the plus strand (A>G on the coding strand, the complement: ANK3 is on the minus strand). VCF-style: chr10-60114330-T-C. GRCh37 (hg19) VCF-style: chr10-61874088-T-C.
Other names: c.245A>G, p.His82Arg (NM_001149.4); c.2825A>G, p.His942Arg (NM_001204403.2); c.2846A>G, p.His949Arg (NM_001204404.2); c.2843A>G, p.His948Arg (NM_001320874.2); short protein forms H82R, H942R, H948R, H949R.
Identifiers: ClinVar variation 4686315 (VCV004686315.1).
Genomic context (GRCh38, chr10:60,114,330, plus strand): 5'-TCTGCAGCCCAGCTGTAATGTCTAAGAGAATCTGAATCAAATTCCCTTGTGAATGTTAGA[T>C]GCTGAAAAATAAAATGGTAAATTAAATTACATCAACAAACCATACAAGACTGATTTCTCT-3'
Protein context (NP_066267.2, residues 938-958): EELLVPSKEQ[His948Arg]LTFTREFDSD